The following is an entry in ClinVar:

NM_201596.3(CACNB2):c.956C>G (p.Thr319Arg)

Gene: CACNB2 (calcium voltage-gated channel auxiliary subunit beta 2; plus strand). Cytogenetic location: 10p12.31.
Variant type: single nucleotide variant.
Coding change: c.956C>G on transcript NM_201596.3 (MANE Select); coding-DNA position 956, C replaced by G.
Protein change: p.Thr319Arg; replaces threonine 319 with arginine.
Molecular consequence: missense variant.
Genome position (GRCh38, 1-based): chr10:18,527,599, C>G. VCF-style: chr10-18527599-C-G. GRCh37 (hg19) VCF-style: chr10-18816528-C-G.
Other names: c.791C>G, p.Thr264Arg (NM_000724.4); c.758C>G, p.Thr253Arg (NM_001167945.2); c.677C>G, p.Thr226Arg (NM_001330060.2); c.698C>G, p.Thr233Arg (NM_001410882.1); c.812C>G, p.Thr271Arg (NM_201570.3); c.872C>G, p.Thr291Arg (NM_201571.4); c.800C>G, p.Thr267Arg (NM_201572.4); c.794C>G, p.Thr265Arg (NM_201590.3); and 2 more; short protein forms T233R, T267R, T319R, T271R, T226R, T253R, T264R, T265R.
Identifiers: ClinVar variation 4762818 (VCV004762818.1).

ClinVar aggregate classification (germline): Uncertain significance (1 of 4 stars; one submission).

Conditions:
Brugada syndrome 4 (BRGDA4). Identifiers: Orphanet 130, MedGen C2678477, MONDO:0012743, OMIM 611876.

Submission:

Labcorp Genetics (formerly Invitae), Labcorp
Classification: Uncertain significance for Brugada syndrome 4. Last evaluated: 2025-03-09. Review status: criteria provided, single submitter. Criteria: Invitae Variant Classification Sherloc (09022015). Collection method: clinical testing. Allele origin: germline.
Comment: This sequence change replaces threonine, which is neutral and polar, with arginine, which is basic and polar, at codon 265 of the CACNB2 protein (p.Thr265Arg). This variant is not present in population databases (gnomAD no frequency). This variant has not been reported in the literature in individuals affected with CACNB2-related conditions. Invitae Evidence Modeling of protein sequence and biophysical properties (such as structural, functional, and spatial information, amino acid conservation, physicochemical variation, residue mobility, and thermodynamic stability) indicates that this missense variant is expected to disrupt CACNB2 protein function with a positive predictive value of 80%. In summary, the available evidence is currently insufficient to determine the role of this variant in disease. Therefore, it has been classified as a Variant of Uncertain Significance.